The following is an entry in ClinVar:

NM_000252.3(MTM1):c.1467+1G>T

Gene: MTM1 (myotubularin 1; plus strand). Cytogenetic location: Xq28.
Variant type: single nucleotide variant.
Coding change: c.1467+1G>T on transcript NM_000252.3 (MANE Select); the canonical splice donor site of the intron after coding-DNA position 1467, G replaced by T.
Molecular consequence: splice donor variant.
Genome position (GRCh38, 1-based): chrX:150,660,485, G>T. VCF-style: chrX-150660485-G-T. GRCh37 (hg19) VCF-style: chrX-149828958-G-T.
Other names: c.1467+1G>T (NM_001376908.1, NM_001376906.1); c.1356+1G>T (NM_001376907.1).
Identifiers: ClinVar variation 158943 (VCV000158943.7), dbSNP rs587783798, ClinGen allele CA271833.

ClinVar aggregate classification (germline): Pathogenic. Review status: criteria provided, multiple submitters, no conflicts (2 of 4 stars). 2 submissions from 2 submitters: Pathogenic (2). Last evaluated 2013-02-08.

Conditions:
Severe X-linked myotubular myopathy (CNMX). Also called: MYOTUBULAR MYOPATHY 1; X-linked centronuclear myopathy; Myotubular myopathy, X-linked. Identifiers: Orphanet 596, MedGen C0410203, MONDO:0010683, OMIM 310400.

Submissions (2):

Genetic Services Laboratory, University of Chicago
Classification: Pathogenic for Myotubular myopathy, X-linked. Last evaluated: 2013-02-08. Review status: criteria provided, single submitter. Criteria: ACMG Guidelines, 2007. Collection method: clinical testing. Allele origin: germline. Inheritance: X-linked inheritance. Affected: yes.

3billion
Classification: Pathogenic for Severe X-linked myotubular myopathy. Review status: criteria provided, single submitter. Criteria: ACMG Guidelines, 2015. Collection method: clinical testing. Allele origin: unknown. Affected: yes. Observed: 1 hemizygote.
Comment: The variant is not observed in the gnomAD v2.1.1 dataset. The variant is predicted to alter splicing and result in a loss or disruption of normal protein function. Multiple pathogenic loss-of-function variants are reported downstream of the variant. The variant has been reported to be associated with MTM1 related disorder (ClinVar ID: VCV000158943 / PMID: 22435031). Therefore, this variant is classified as Pathogenic according to the recommendation of ACMG/AMP guideline.

Literature cited by the submitters: PubMed 22435031 (cited by 3billion).